The following is an entry in ClinVar:

ClinVar aggregate classification (germline): Uncertain significance (1 of 4 stars; one submission).

Conditions:
Hereditary cancer-predisposing syndrome. Also called: Neoplastic Syndromes, Hereditary; Tumor predisposition; Hereditary neoplastic syndrome; Hereditary Cancer Syndrome. Identifiers: Orphanet 140162, MedGen C0027672, MeSH D009386, MONDO:0015356.

Submission:

Ambry Genetics
Classification: Uncertain significance for Hereditary cancer-predisposing syndrome. Last evaluated: 2017-12-22. Review status: criteria provided, single submitter. Criteria: Ambry Variant Classification Scheme 2023. Collection method: clinical testing. Allele origin: germline.
Comment: The p.T170I variant (also known as c.509C>T), located in coding exon 2 of the CDKN1B gene, results from a C to T substitution at nucleotide position 509. The threonine at codon 170 is replaced by isoleucine, an amino acid with similar properties. This amino acid position is highly conserved in available vertebrate species. In addition, this alteration is predicted to be tolerated by in silico analysis. Since supporting evidence is limited at this time, the clinical significance of this alteration remains unclear.

NM_004064.5(CDKN1B):c.509C>T (p.Thr170Ile)

Gene: CDKN1B (cyclin dependent kinase inhibitor 1B; plus strand). Cytogenetic location: 12p13.1.
Variant type: single nucleotide variant.
Coding change: c.509C>T on transcript NM_004064.5 (MANE Select); coding-DNA position 509, C replaced by T.
Protein change: p.Thr170Ile; replaces threonine 170 with isoleucine.
Molecular consequence: missense variant.
Genome position (GRCh38, 1-based): chr12:12,718,858, C>T. VCF-style: chr12-12718858-C-T. GRCh37 (hg19) VCF-style: chr12-12871792-C-T.
Other names: short protein forms T170I.
Identifiers: ClinVar variation 825437 (VCV000825437.4), dbSNP rs1592281727, ClinGen allele CA383972800.
Genomic context (GRCh38, chr12:12,718,858, plus strand): 5'-CTTTTTAAAAATTTCCCCTGCGCTTAGATTCTTCTACTCAAAACAAAAGAGCCAACAGAA[C>T]AGAAGAAAATGTTTCAGACGGTTCCCCAAATGCCGGTTCTGTGGAGCAGACGCCCAAGAA-3'
Protein context (NP_004055.1, residues 160-180): SSTQNKRANR[Thr170Ile]EENVSDGSPN